The following is an entry in ClinVar:

ClinVar aggregate classification (germline): Uncertain significance. Review status: criteria provided, multiple submitters, no conflicts (2 of 4 stars). 2 submissions from 2 submitters: Uncertain significance (2). Last evaluated 2026-01-15.

Conditions:
Cardiovascular phenotype. Identifiers: MedGen CN230736.
Dilated cardiomyopathy 1W (CMD1W). Identifiers: Orphanet 154, MedGen C1969639, MONDO:0012667, OMIM 611407.

Allele frequency attached by ClinVar (database versions not stated): TOPMed below 0.00001; ExAC 0.00001; gnomAD 0.00001; gnomAD exomes 0.00001.
gnomAD v4.1: 23 of 1,614,040 alleles (0.0014%); highest among the groups gnomAD compares: Non-Finnish European, 0.0019%; no homozygotes.

Submissions (2):

Labcorp Genetics (formerly Invitae), Labcorp
Classification: Uncertain significance for Dilated cardiomyopathy 1W. Last evaluated: 2026-01-15. Review status: criteria provided, single submitter. Criteria: Invitae Variant Classification Sherloc (09022015). Collection method: clinical testing. Allele origin: germline.
Comment: This sequence change replaces glutamic acid, which is acidic and polar, with glycine, which is neutral and non-polar, at codon 152 of the VCL protein (p.Glu152Gly). This variant is present in population databases (rs751528827, gnomAD 0.002%). This variant has not been reported in the literature in individuals affected with VCL-related conditions. ClinVar contains an entry for this variant (Variation ID: 2715267). An algorithm developed to predict the effect of missense changes on protein structure and function (PolyPhen-2) suggests that this variant is likely to be disruptive. In summary, the available evidence is currently insufficient to determine the role of this variant in disease. Therefore, it has been classified as a Variant of Uncertain Significance.

Ambry Genetics
Classification: Uncertain significance for Cardiovascular phenotype. Last evaluated: 2026-01-08. Review status: criteria provided, single submitter. Criteria: Ambry Variant Classification Scheme 2023. Collection method: clinical testing. Allele origin: germline.
Comment: The p.E152G variant (also known as c.455A>G), located in coding exon 4 of the VCL gene, results from an A to G substitution at nucleotide position 455. The glutamic acid at codon 152 is replaced by glycine, an amino acid with similar properties. This amino acid position is highly conserved in available vertebrate species. In addition, the in silico prediction for this alteration is inconclusive. Based on the available evidence, the clinical significance of this variant remains unclear.

NM_014000.3(VCL):c.455A>G (p.Glu152Gly)

Gene: VCL (vinculin; plus strand). Cytogenetic location: 10q22.2.
Variant type: single nucleotide variant.
Coding change: c.455A>G on transcript NM_014000.3 (MANE Select); coding-DNA position 455, A replaced by G.
Protein change: p.Glu152Gly; replaces glutamic acid 152 with glycine.
Molecular consequence: missense variant.
Genome position (GRCh38, 1-based): chr10:74,071,039, A>G. VCF-style: chr10-74071039-A-G. GRCh37 (hg19) VCF-style: chr10-75830797-A-G.
Other names: c.455A>G, p.Glu152Gly (NM_003373.4); short protein forms E152G.
Identifiers: ClinVar variation 2715267 (VCV002715267.5), dbSNP rs751528827, ClinGen allele CA5562770.